The following is an entry in ClinVar:

NM_000138.5(FBN1):c.8567G>A (p.Gly2856Asp)

Gene: FBN1 (fibrillin 1; minus strand). Cytogenetic location: 15q21.1.
Variant type: single nucleotide variant.
Coding change: c.8567G>A on transcript NM_000138.5 (MANE Select); coding-DNA position 8567, G replaced by A.
Protein change: p.Gly2856Asp; replaces glycine 2856 with aspartic acid.
Molecular consequence: missense variant.
Genome position (GRCh38, 1-based): chr15:48,411,039, C>T on the plus strand (G>A on the coding strand, the complement: FBN1 is on the minus strand). VCF-style: chr15-48411039-C-T. GRCh37 (hg19) VCF-style: chr15-48703236-C-T.
Other names: short protein forms G2856D.
Identifiers: ClinVar variation 1332183 (VCV001332183.3), dbSNP rs2141209510, ClinGen allele CA392318490.
Genomic context (GRCh38, chr15:48,411,039, plus strand): 5'-TGGATGGTGAATTAATGAAGCAAAACCTGGATTTTCATCTTCAGATTATCACCCAGTTCA[C>T]CACTGAGGTAGTCTTTGTCATATTTGTCTTCTAGTTGGTTAAGTTCTTTCTTTTTATAAA-3'
Protein context (NP_000129.3, residues 2846-2866): EDKYDKDYLS[Gly2856Asp]ELGDNLKMKI

ClinVar aggregate classification (germline): Uncertain significance (1 of 4 stars; one submission).

Conditions:
Familial thoracic aortic aneurysm and aortic dissection (TAAD). Also called: Thoracic aortic aneurysms and dissections. Identifiers: Orphanet 91387, MedGen C4707243, MONDO:0019625.

Submission:

Color Diagnostics, LLC DBA Color Health
Classification: Uncertain significance for Familial thoracic aortic aneurysm and aortic dissection. Last evaluated: 2024-03-06. Review status: criteria provided, single submitter. Criteria: ACMG Guidelines, 2015. Collection method: clinical testing. Allele origin: germline.
Comment: This missense variant replaces glycine with aspartic acid at codon 2856 of the FBN1 protein. Computational prediction suggests that this variant may have deleterious impact on protein structure and function (internally defined REVEL score threshold >= 0.7, PMID: 27666373). To our knowledge, functional studies have not been reported for this variant. This variant has not been reported in individuals affected with cardiovascular disorders in the literature. This variant has not been identified in the general population by the Genome Aggregation Database (gnomAD). The available evidence is insufficient to determine the role of this variant in disease conclusively. Therefore, this variant is classified as a Variant of Uncertain Significance.